The following is an entry in ClinVar:

NM_001386140.1(MTTP):c.552dup (p.Val185fs)

Gene: MTTP (microsomal triglyceride transfer protein; plus strand). Cytogenetic location: 4q23.
Variant type: Duplication.
Coding change: c.552dup on transcript NM_001386140.1 (MANE Select); coding-DNA position 552, one base duplicated (A; older notation c.552dupA).
Protein change: p.Val185fs; shifts the reading frame from valine 185.
Molecular consequence: frameshift variant.
Genome position (GRCh38, 1-based): chr4:99,591,285, A duplicated; the last of 3 consecutive A bases (chr4:99,591,283-99,591,285); duplicating any one gives the same sequence. VCF-style (leftmost placement, unchanged base first): chr4-99591282-C-CA. GRCh37 (hg19) VCF-style: chr4-100512439-C-CA.
Other names: c.552dup, p.Val185fs (NM_000253.4); c.303dup, p.Val102fs (NM_001300785.2); short protein forms V185fs, V102fs.
Identifiers: ClinVar variation 1994774 (VCV001994774.4), dbSNP rs2476106469, ClinGen allele CA2580071883.

ClinVar aggregate classification (germline): Pathogenic (1 of 4 stars; one submission).

Submission:

Labcorp Genetics (formerly Invitae), Labcorp
Classification: Pathogenic. Last evaluated: 2022-06-15. Review status: criteria provided, single submitter. Criteria: Invitae Variant Classification Sherloc (09022015). Collection method: clinical testing. Allele origin: germline.
Comment: This variant has not been reported in the literature in individuals affected with MTTP-related conditions. For these reasons, this variant has been classified as Pathogenic. This variant is not present in population databases (gnomAD no frequency). This sequence change creates a premature translational stop signal (p.Val185Serfs*5) in the MTTP gene. It is expected to result in an absent or disrupted protein product. Loss-of-function variants in MTTP are known to be pathogenic (PMID: 8533758, 9671739).

Literature cited by the submitters: PubMed 8533758; PubMed 9671739.